The following is an entry in ClinVar:

ClinVar aggregate classification (germline): Uncertain significance (1 of 4 stars; one submission).

Allele frequency attached by ClinVar (database versions not stated): gnomAD exomes below 0.00001.

Submission:

GeneDx
Classification: Uncertain significance. Last evaluated: 2022-03-07. Review status: criteria provided, single submitter. Criteria: GeneDx Variant Classification Process June 2021. Collection method: clinical testing. Allele origin: germline. Affected: yes.
Comment: In silico analysis supports that this missense variant has a deleterious effect on protein structure/function; Has not been previously published as pathogenic or benign to our knowledge

NM_014043.4(CHMP2B):c.326T>C (p.Met109Thr)

Gene: CHMP2B (charged multivesicular body protein 2B; plus strand). Cytogenetic location: 3p11.2.
Variant type: single nucleotide variant.
Coding change: c.326T>C on transcript NM_014043.4 (MANE Select); coding-DNA position 326, T replaced by C.
Protein change: p.Met109Thr; replaces methionine 109 with threonine.
Molecular consequence: missense variant.
Genome position (GRCh38, 1-based): chr3:87,249,879, T>C. VCF-style: chr3-87249879-T-C. GRCh37 (hg19) VCF-style: chr3-87299029-T-C.
Other names: c.203T>C, p.Met68Thr (NM_001244644.2); c.422T>C, p.Met141Thr (NM_001410777.1); short protein forms M109T, M141T, M68T.
Identifiers: ClinVar variation 1704723 (VCV001704723.2), dbSNP rs1443763991, ClinGen allele CA353697190.
Genomic context (GRCh38, chr3:87,249,879, plus strand): 5'-ATAGTAAAATTTTCATAATTATGGAAGTAACATGAATCTTGTAAATACATTTAAAGACAA[T>C]GCAGGCAGTTAACAAGAAGATGGATCCACAAAAGACATTACAAACAATGCAGAATTTCCA-3'
Protein context (NP_054762.2, residues 99-119): AGAMSTTAKT[Met109Thr]QAVNKKMDPQ